The following is an entry in ClinVar:

ClinVar aggregate classification (germline): Uncertain significance (1 of 4 stars; one submission).

Allele frequency attached by ClinVar (database versions not stated): gnomAD 0.00006 and 0.00005; TOPMed 0.00006; gnomAD exomes 0.00007 and 0.00005; ExAC 0.00005.
gnomAD v4.1: 67 of 1,461,134 alleles (0.0046%); highest among the groups gnomAD compares: Non-Finnish European, 0.0059%; no homozygotes.

Submission:

Labcorp Genetics (formerly Invitae), Labcorp
Classification: Uncertain significance. Last evaluated: 2026-01-14. Review status: criteria provided, single submitter. Criteria: Invitae Variant Classification Sherloc (09022015). Collection method: clinical testing. Allele origin: germline.
Comment: This sequence change falls in intron 3 of the POLE2 gene. It does not directly change the encoded amino acid sequence of the POLE2 protein. This variant is present in population databases (rs773318425, gnomAD 0.01%). This variant has not been reported in the literature in individuals affected with POLE2-related conditions. ClinVar contains an entry for this variant (Variation ID: 1347022). Algorithms developed to predict the effect of sequence changes on RNA splicing suggest that this variant may disrupt the consensus splice site. In summary, the available evidence is currently insufficient to determine the role of this variant in disease. Therefore, it has been classified as a Variant of Uncertain Significance.

NM_002692.4(POLE2):c.245+15T>G

Gene: POLE2 (DNA polymerase epsilon 2, accessory subunit; minus strand). Cytogenetic location: 14q21.3.
Variant type: single nucleotide variant.
Coding change: c.245+15T>G on transcript NM_002692.4 (MANE Select); 15 bases into the intron after coding-DNA position 245, T replaced by G.
Molecular consequence: intron variant.
Genome position (GRCh38, 1-based): chr14:49,679,710, A>C on the plus strand (T>G on the coding strand, the complement: POLE2 is on the minus strand). VCF-style: chr14-49679710-A-C. GRCh37 (hg19) VCF-style: chr14-50146428-A-C.
Other names: c.245+15T>G (NM_001197330.2, NM_001348384.2, NM_001197331.3); c.14+11T>G (NM_001348385.2).
Identifiers: ClinVar variation 1347022 (VCV001347022.8), dbSNP rs773318425, ClinGen allele CA7173705.